The following is an entry in ClinVar:

NM_032444.4(SLX4):c.2766G>T (p.Lys922Asn)

Gene: SLX4 (SLX4 structure-specific endonuclease subunit; minus strand). Cytogenetic location: 16p13.3.
Variant type: single nucleotide variant.
Coding change: c.2766G>T on transcript NM_032444.4 (MANE Select); coding-DNA position 2766, G replaced by T.
Protein change: p.Lys922Asn; replaces lysine 922 with asparagine.
Molecular consequence: missense variant.
Genome position (GRCh38, 1-based): chr16:3,590,872, C>A on the plus strand (G>T on the coding strand, the complement: SLX4 is on the minus strand). VCF-style: chr16-3590872-C-A. GRCh37 (hg19) VCF-style: chr16-3640873-C-A.
Other names: short protein forms K922N.
Identifiers: ClinVar variation 2160552 (VCV002160552.4), dbSNP rs2151125194, ClinGen allele CA394522953.

ClinVar aggregate classification (germline): Uncertain significance (1 of 4 stars; one submission).

Conditions:
Fanconi anemia (FA). Also called: Fanconi's anemia. Identifiers: Orphanet 84, MedGen C0015625, MeSH D005199, MONDO:0019391.

Submission:

Labcorp Genetics (formerly Invitae), Labcorp
Classification: Uncertain significance for Fanconi anemia. Last evaluated: 2022-09-27. Review status: criteria provided, single submitter. Criteria: Invitae Variant Classification Sherloc (09022015). Collection method: clinical testing. Allele origin: germline.
Comment: This variant is not present in population databases (gnomAD no frequency). In summary, the available evidence is currently insufficient to determine the role of this variant in disease. Therefore, it has been classified as a Variant of Uncertain Significance. Algorithms developed to predict the effect of missense changes on protein structure and function output the following: SIFT: "Tolerated"; PolyPhen-2: "Benign"; Align-GVGD: "Class C0". The asparagine amino acid residue is found in multiple mammalian species, which suggests that this missense change does not adversely affect protein function. This variant has not been reported in the literature in individuals affected with SLX4-related conditions. This sequence change replaces lysine, which is basic and polar, with asparagine, which is neutral and polar, at codon 922 of the SLX4 protein (p.Lys922Asn).